The following is an entry in ClinVar:

ClinVar aggregate classification (germline): Uncertain significance (1 of 4 stars; one submission).

Conditions:
Inborn genetic diseases. Identifiers: MedGen C0950123, MeSH D030342.

Submission:

Ambry Genetics
Classification: Uncertain significance for Inborn genetic diseases. Last evaluated: 2026-03-09. Review status: criteria provided, single submitter. Criteria: Ambry Variant Classification Scheme 2023. Collection method: clinical testing. Allele origin: germline.
Comment: The p.L220P variant (also known as c.659T>C), located in coding exon 6 of the FANCG gene, results from a T to C substitution at nucleotide position 659. The leucine at codon 220 is replaced by proline, an amino acid with similar properties. This amino acid position is conserved. In addition, the in silico prediction for this alteration is inconclusive. Based on the available evidence, the clinical significance of this variant remains unclear.

NM_004629.2(FANCG):c.659T>C (p.Leu220Pro)

Gene: FANCG (FA complementation group G; minus strand). Cytogenetic location: 9p13.3.
Variant type: single nucleotide variant.
Coding change: c.659T>C on transcript NM_004629.2 (MANE Select); coding-DNA position 659, T replaced by C.
Protein change: p.Leu220Pro; replaces leucine 220 with proline.
Molecular consequence: missense variant.
Genome position (GRCh38, 1-based): chr9:35,077,089, A>G on the plus strand (T>C on the coding strand, the complement: FANCG is on the minus strand). VCF-style: chr9-35077089-A-G. GRCh37 (hg19) VCF-style: chr9-35077086-A-G.
Other names: short protein forms L220P.
Identifiers: ClinVar variation 4825755 (VCV004825755.1).